The following is an entry in ClinVar:

NM_181703.4(GJA5):c.295A>G (p.Thr99Ala)

Gene: GJA5 (gap junction protein alpha 5; minus strand). Cytogenetic location: 1q21.2.
Variant type: single nucleotide variant.
Coding change: c.295A>G on transcript NM_181703.4 (MANE Select); coding-DNA position 295, A replaced by G.
Protein change: p.Thr99Ala; replaces threonine 99 with alanine.
Molecular consequence: missense variant.
Genome position (GRCh38, 1-based): chr1:147,758,944, T>C on the plus strand (A>G on the coding strand, the complement: GJA5 is on the minus strand). VCF-style: chr1-147758944-T-C. GRCh37 (hg19) VCF-style: chr1-147231052-T-C.
Other names: c.295A>G, p.Thr99Ala (NM_005266.7); short protein forms T99A.
Identifiers: ClinVar variation 3763088 (VCV003763088.2).
Genomic context (GRCh38, chr1:147,758,944, plus strand): 5'-CCCGGACCTCTTTGGCCCTCTCGGCCTCCCGTAGCTTGCGCTTCTCCTGCATGCGCACAG[T>C]GTGCATGGCGTGGCCCATGTACACCAGAGAGGGCGTGGAGACGAAGATGATCTGCAGCAC-3'
Protein context (NP_859054.1, residues 89-109): SLVYMGHAMH[Thr99Ala]VRMQEKRKLR

ClinVar aggregate classification (germline): Uncertain significance (1 of 4 stars; one submission).

Conditions:
Atrial standstill 1 (ATRST1). Also called: ATRIAL CARDIOMYOPATHY WITH HEART BLOCK; CARDIOMYOPATHY, FAMILIAL, WITH CONDUCTION DISTURBANCE; Atrial standstill, digenic (GJA5/SCN5A). Identifiers: Orphanet 1344, MedGen C4551959, MONDO:0007171, OMIM 108770.
Atrial fibrillation, familial, 11 (ATFB11). Identifiers: MedGen C3279693, MONDO:0013544, OMIM 614049.

Submission:

Labcorp Genetics (formerly Invitae), Labcorp
Classification: Uncertain significance for Atrial fibrillation, familial, 11; Atrial standstill 1. Last evaluated: 2025-01-12. Review status: criteria provided, single submitter. Criteria: Invitae Variant Classification Sherloc (09022015). Collection method: clinical testing. Allele origin: germline.
Comment: This sequence change replaces threonine, which is neutral and polar, with alanine, which is neutral and non-polar, at codon 99 of the GJA5 protein (p.Thr99Ala). This variant is not present in population databases (gnomAD no frequency). This variant has not been reported in the literature in individuals affected with GJA5-related conditions. Invitae Evidence Modeling of protein sequence and biophysical properties (such as structural, functional, and spatial information, amino acid conservation, physicochemical variation, residue mobility, and thermodynamic stability) indicates that this missense variant is not expected to disrupt GJA5 protein function with a negative predictive value of 80%. In summary, the available evidence is currently insufficient to determine the role of this variant in disease. Therefore, it has been classified as a Variant of Uncertain Significance.